The following is an entry in ClinVar:

ClinVar aggregate classification (germline): Uncertain significance. Review status: criteria provided, multiple submitters, no conflicts (2 of 4 stars). 3 submissions from 3 submitters: Uncertain significance (3). Last evaluated 2025-10-05.

Conditions:
Hereditary cancer-predisposing syndrome. Also called: Neoplastic Syndromes, Hereditary; Tumor predisposition; Hereditary Cancer Syndrome; Hereditary neoplastic syndrome. Identifiers: Orphanet 140162, MedGen C0027672, MeSH D009386, MONDO:0015356.
Familial cancer of breast. Also called: BREAST CANCER, FAMILIAL; Hereditary breast cancer; hereditary breast carcinoma. Identifiers: Orphanet 227535, MedGen C0346153, MONDO:0016419, OMIM 114480. Disease mechanism: loss of function.

Allele frequency attached by ClinVar (database versions not stated): TOPMed below 0.00001.
gnomAD v4.1: 1 of 1,612,492 alleles (0.000062%); highest among the groups gnomAD compares: South Asian, 0.0011%; no homozygotes.

Submissions (3):

Labcorp Genetics (formerly Invitae), Labcorp
Classification: Uncertain significance for Familial cancer of breast. Last evaluated: 2025-10-05. Review status: criteria provided, single submitter. Criteria: Invitae Variant Classification Sherloc (09022015). Collection method: clinical testing. Allele origin: germline.
Comment: This sequence change replaces isoleucine, which is neutral and non-polar, with valine, which is neutral and non-polar, at codon 92 of the BARD1 protein (p.Ile92Val). This variant is not present in population databases (gnomAD no frequency). This variant has not been reported in the literature in individuals affected with BARD1-related conditions. ClinVar contains an entry for this variant (Variation ID: 482822). An algorithm developed to predict the effect of missense changes on protein structure and function (PolyPhen-2) suggests that this variant is likely to be tolerated. In summary, the available evidence is currently insufficient to determine the role of this variant in disease. Therefore, it has been classified as a Variant of Uncertain Significance.

GeneDx
Classification: Uncertain significance. Last evaluated: 2024-10-08. Review status: criteria provided, single submitter. Criteria: GeneDx Variant Classification Process June 2021. Collection method: clinical testing. Allele origin: germline. Affected: yes.
Comment: Not observed at significant frequency in large population cohorts (gnomAD); In silico analysis indicates that this missense variant does not alter protein structure/function; Has not been previously published as pathogenic or benign to our knowledge; This variant is associated with the following publications: (PMID: 18480049)

Ambry Genetics
Classification: Uncertain significance for Hereditary cancer-predisposing syndrome. Last evaluated: 2022-05-23. Review status: criteria provided, single submitter. Criteria: Ambry Variant Classification Scheme 2023. Collection method: clinical testing. Allele origin: germline.
Comment: The p.I92V variant (also known as c.274A>G), located in coding exon 3 of the BARD1 gene, results from an A to G substitution at nucleotide position 274. The isoleucine at codon 92 is replaced by valine, an amino acid with highly similar properties. This amino acid position is not well conserved in available vertebrate species. In addition, this alteration is predicted to be tolerated by in silico analysis. Since supporting evidence is limited at this time, the clinical significance of this alteration remains unclear.

NM_000465.4(BARD1):c.274A>G (p.Ile92Val)

Gene: BARD1 (BRCA1 associated RING domain 1; minus strand). Cytogenetic location: 2q35.
Variant type: single nucleotide variant.
Coding change: c.274A>G on transcript NM_000465.4 (MANE Select); coding-DNA position 274, A replaced by G.
Protein change: p.Ile92Val; replaces isoleucine 92 with valine.
Molecular consequence: missense variant. On other transcripts: non-coding transcript variant (1), intron variant (2).
Genome position (GRCh38, 1-based): chr2:214,792,387, T>C on the plus strand (A>G on the coding strand, the complement: BARD1 is on the minus strand). VCF-style: chr2-214792387-T-C. GRCh37 (hg19) VCF-style: chr2-215657111-T-C.
Other names: c.217A>G, p.Ile73Val (NM_001282543.2); c.274A>G, p.Ile92Val (NM_001282549.2); c.158+17025A>G (NM_001282548.2); c.215+4674A>G (NM_001282545.2); short protein forms I92V, I73V.
Identifiers: ClinVar variation 482822 (VCV000482822.9), dbSNP rs750878896, ClinGen allele CA350461112.
Genomic context (GRCh38, chr2:214,792,387, plus strand): 5'-GAAGCTTACTACAAAGTTGAATCATGCTGTCCAGTTGTCTATTTATCTTCAAGTCTTGTA[T>C]CCAGGCCGGGGTGTAACACACTGGACATCCAGTTCCAATGCAGTCACTTACACAATTACT-3'
Protein context (NP_000456.2, residues 82-102): GCPVCYTPAW[Ile92Val]QDLKINRQLD